The following is an entry in ClinVar:

NM_005052.3(RAC3):c.94T>C (p.Tyr32His)

Gene: RAC3 (Rac family small GTPase 3; plus strand). Cytogenetic location: 17q25.3.
Variant type: single nucleotide variant.
Coding change: c.94T>C on transcript NM_005052.3 (MANE Select); coding-DNA position 94, T replaced by C.
Protein change: p.Tyr32His; replaces tyrosine 32 with histidine.
Molecular consequence: missense variant.
Genome position (GRCh38, 1-based): chr17:82,032,445, T>C. VCF-style: chr17-82032445-T-C. GRCh37 (hg19) VCF-style: chr17-79990321-T-C.
Other names: c.94T>C, p.Tyr32His (NM_001316307.2); short protein forms Y32H.
Identifiers: ClinVar variation 2628836 (VCV002628836.1), dbSNP rs2043440269, ClinGen allele CA401552557.
Genomic context (GRCh38, chr17:82,032,445, plus strand): 5'-AGCGCCGTGGGGAAGACATGCTTGCTGATCAGCTACACGACCAACGCCTTCCCCGGAGAG[T>C]ACATCCCCACCGTGTGAGTGTGGGGGCTTCCCGGGAGAGCACAGGCCCTCCGTGTGAGTG-3'
Protein context (NP_005043.1, residues 22-42): SYTTNAFPGE[Tyr32His]IPTVFDNYSA

ClinVar aggregate classification (germline): Uncertain significance (1 of 4 stars; one submission).

Conditions:
RAC3-related disorder. Also called: RAC3-related condition.

Allele frequency attached by ClinVar (database versions not stated): TOPMed 0.00001.

Submission:

PreventionGenetics, part of Exact Sciences
Classification: Uncertain significance for RAC3-related condition. Last evaluated: 2023-06-23. Review status: criteria provided, single submitter. Criteria: ACMG Guidelines, 2015. Collection method: clinical testing. Allele origin: germline.
Comment: The RAC3 c.94T>C variant is predicted to result in the amino acid substitution p.Tyr32His. To our knowledge, this variant has not been reported in the literature or in a large population database, indicating this variant is rare. At this time, the clinical significance of this variant is uncertain due to the absence of conclusive functional and genetic evidence.